The following is an entry in ClinVar:

ClinVar aggregate classification (germline): Conflicting classifications of pathogenicity. Review status: criteria provided, conflicting classifications (1 of 4 stars). 5 submissions from 5 submitters: Uncertain significance (3); Likely benign (2). Last evaluated 2025-10-27.

Conditions:
Inborn genetic diseases. Identifiers: MedGen C0950123, MeSH D030342.
CFH-Related Dense Deposit Disease / Membranoproliferative Glomerulonephritis Type II. Identifiers: MedGen CN071292.
C3 glomerulonephritis. Also called: Nephropathy due to CFHR5 Deficiency; C3 GLOMERULOPATHY 3. Identifiers: Orphanet 329931, MedGen C4055342, MONDO:0013892, OMIM 614809.
CFHR5 deficiency. Identifiers: MedGen C3553720.

Allele frequency attached by ClinVar (database versions not stated): TOPMed 0.00003; ESP Exome Variant Server 0.00008.
gnomAD v4.1: 145 of 1,613,904 alleles (0.009%); highest among the groups gnomAD compares: Non-Finnish European, 0.012%; no homozygotes.

Submissions (5):

Women's Health and Genetics/Laboratory Corporation of America, LabCorp
Classification: Uncertain significance. Last evaluated: 2025-10-27. Review status: criteria provided, single submitter. Criteria: LabCorp Variant Classification Summary - May 2015. Collection method: clinical testing. Allele origin: germline.
Comment: Variant summary: CFHR5 c.178G>C (p.Val60Leu) results in a conservative amino acid change in the encoded protein sequence. Algorithms developed to predict the effect of missense changes on protein structure and function all suggest that this variant is likely to be tolerated. The variant allele was found at a frequency of 2e-05 in 251420 control chromosomes, predominantly at a frequency of 4.4e-05 within the Non-Finnish European subpopulation in the gnomAD database. The available data on variant occurrences in the general population are insufficient to allow any conclusion about variant significance. To our knowledge, no occurrence of c.178G>C in individuals affected with CFHR5-related conditions and no experimental evidence demonstrating its impact on protein function have been reported. ClinVar contains an entry for this variant (Variation ID: 874581). Based on the evidence outlined above, the variant was classified as uncertain significance.

Ambry Genetics
Classification: Likely benign for Inborn genetic diseases. Last evaluated: 2025-08-02. Review status: criteria provided, single submitter. Criteria: Ambry Variant Classification Scheme 2023. Collection method: clinical testing. Allele origin: germline.

Fulgent Genetics
Classification: Likely benign for C3 glomerulonephritis. Last evaluated: 2024-05-09. Review status: criteria provided, single submitter. Criteria: ACMG Guidelines, 2015. Collection method: clinical testing. Allele origin: germline.

Genome-Nilou Lab
Classification: Uncertain significance for C3 glomerulonephritis. Last evaluated: 2023-04-11. Review status: criteria provided, single submitter. Criteria: ACMG Guidelines, 2015. Collection method: clinical testing. Allele origin: germline. Affected: no.

Illumina Laboratory Services, Illumina
Classification: Uncertain significance for Membranoproliferative glomerulonephritis with complement factor h deficiency. Last evaluated: 2018-03-30. Review status: criteria provided, single submitter. Criteria: ICSL Variant Classification Criteria 13 December 2019. Collection method: clinical testing. Allele origin: germline.

NM_030787.4(CFHR5):c.178G>C (p.Val60Leu)

Gene: CFHR5 (complement factor H related 5; plus strand). Cytogenetic location: 1q31.3.
Variant type: single nucleotide variant.
Coding change: c.178G>C on transcript NM_030787.4 (MANE Select); coding-DNA position 178, G replaced by C.
Protein change: p.Val60Leu; replaces valine 60 with leucine.
Molecular consequence: missense variant.
Genome position (GRCh38, 1-based): chr1:196,983,004, G>C. VCF-style: chr1-196983004-G-C. GRCh37 (hg19) VCF-style: chr1-196952134-G-C.
Other names: short protein forms V60L.
Identifiers: ClinVar variation 874581 (VCV000874581.9), dbSNP rs370641856, ClinGen allele CA35871530.